The following is an entry in ClinVar:

ClinVar aggregate classification (germline): Likely benign. Review status: criteria provided, multiple submitters, no conflicts (2 of 4 stars). 3 submissions from 3 submitters: Likely benign (3). Last evaluated 2026-09-01.

Conditions:
Glutaric aciduria, type 1. Also called: GA I; Glutaryl-CoA dehydrogenase deficiency; Glutaric acidemia type I; Glutaricacidemia Type 1; Glutaricaciduria, type I; Glutaric Acidemia Type 1. Identifiers: Orphanet 25, MedGen C0268595, MONDO:0009281, OMIM 231670.

Allele frequency attached by ClinVar (database versions not stated): ExAC 0.00001; gnomAD exomes 0.00001; gnomAD 0.00004 and 0.00005; TOPMed 0.00004.

Submissions (3):

CeGaT Center for Human Genetics Tuebingen
Classification: Likely benign. Last evaluated: 2026-09-01. Review status: criteria provided, single submitter. Criteria: CeGaT Center For Human Genetics Tuebingen Variant Classification Criteria Version 2. Collection method: clinical testing. Allele origin: germline. Affected: yes. Observed: 1 variant allele.
Comment: GCDH: BP4, BP7

Labcorp Genetics (formerly Invitae), Labcorp
Classification: Likely benign for Glutaric aciduria, type 1. Last evaluated: 2024-03-08. Review status: criteria provided, single submitter. Criteria: Invitae Variant Classification Sherloc (09022015). Collection method: clinical testing. Allele origin: germline.

GeneDx
Classification: Likely benign. Last evaluated: 2017-05-23. Review status: criteria provided, single submitter. Criteria: GeneDx Variant Classification (06012015). Collection method: clinical testing. Allele origin: germline. Affected: yes.
Comment: This variant is considered likely benign or benign based on one or more of the following criteria: it is a conservative change, it occurs at a poorly conserved position in the protein, it is predicted to be benign by multiple in silico algorithms, and/or has population frequency not consistent with disease.

NM_000159.4(GCDH):c.1188C>T (p.Asp396=)

Gene: GCDH (glutaryl-CoA dehydrogenase; plus strand). Cytogenetic location: 19p13.13.
Variant type: single nucleotide variant.
Coding change: c.1188C>T on transcript NM_000159.4 (MANE Select); coding-DNA position 1188, C replaced by T.
Protein change: p.Asp396=; no amino-acid change (aspartic acid 396 retained).
Molecular consequence: synonymous variant. On other transcripts: non-coding transcript variant (2).
Genome position (GRCh38, 1-based): chr19:12,897,808, C>T. VCF-style: chr19-12897808-C-T. GRCh37 (hg19) VCF-style: chr19-13008622-C-T.
Other names: c.1188C>T, p.Asp396= (NM_013976.5).
Identifiers: ClinVar variation 517872 (VCV000517872.13), dbSNP rs779968566, ClinGen allele CA9234631.